The following is an entry in ClinVar:

ClinVar aggregate classification (germline): Conflicting classifications of pathogenicity. Review status: criteria provided, conflicting classifications (1 of 4 stars). 4 submissions from 4 submitters: Uncertain significance (1); Likely benign (2). 1 of the submissions does not count toward it. Last evaluated 2026-01-25.

Conditions:
TUB-related disorder. Also called: TUB-related condition.

Submissions (4):

Labcorp Genetics (formerly Invitae), Labcorp
Classification: Likely benign. Last evaluated: 2026-01-25. Review status: criteria provided, single submitter. Criteria: Invitae Variant Classification Sherloc (09022015). Collection method: clinical testing. Allele origin: germline.

GeneDx
Classification: Uncertain significance. Last evaluated: 2024-05-24. Review status: criteria provided, single submitter. Criteria: GeneDx Variant Classification Process June 2021. Collection method: clinical testing. Allele origin: germline. Affected: yes.
Comment: Frameshift variant predicted to result in protein truncation or nonsense-mediated decay in a gene for which loss-of-function is not a known mechanism of disease; Has not been previously published as pathogenic or benign to our knowledge

Blueprint Genetics
Classification: Likely benign. Last evaluated: 2022-01-04. Review status: criteria provided, single submitter. Criteria: ACMG Guidelines, 2015. Collection method: clinical testing. Allele origin: germline.

PreventionGenetics, part of Exact Sciences
Classification: Likely benign for TUB-related condition. Last evaluated: 2021-06-09. Review status: no assertion criteria provided. Collection method: clinical testing. Allele origin: germline. Not counted in ClinVar's aggregate classification.
Comment: This variant is classified as likely benign based on ACMG/AMP sequence variant interpretation guidelines (Richards et al. 2015 PMID: 25741868, with internal and published modifications).

NM_003320.5(TUB):c.42_45del (p.Phe14fs)

Gene: TUB (TUB bipartite transcription factor; plus strand). Cytogenetic location: 11p15.4.
Variant type: Microsatellite.
Coding change: c.42_45del on transcript NM_003320.5; coding-DNA positions 42 to 45, 4 bases deleted (CTTT; older notation c.42_45delCTTT).
Protein change: p.Phe14fs; shifts the reading frame from phenylalanine 14.
Molecular consequence: frameshift variant. On other transcripts: intron variant (4).
Genome position (GRCh38, 1-based): chr11:8,038,915-8,038,918, CTTT deleted; deleting any 4 consecutive bases within chr11:8,038,908-8,038,918 gives the same sequence; the c. name uses the placement nearest the transcript's 3' end. VCF-style (leftmost placement, unchanged base first): chr11-8038907-GTTTC-G. GRCh37 (hg19) VCF-style: chr11-8060454-GTTTC-G.
Other names: c.56+19557_56+19560del (NM_001440538.1, NM_001440539.1, NM_001440540.1 and 1 more transcripts); c.42_45delCTTT (NM_003320.4); short protein forms F14fs.
Identifiers: ClinVar variation 717299 (VCV000717299.16), dbSNP rs757174356, ClinGen allele CA5870797.